The following is an entry in ClinVar:

ClinVar aggregate classification (germline): Likely benign (1 of 4 stars; one submission).

Conditions:
Hereditary breast ovarian cancer syndrome. Also called: Hereditary breast and/or ovarian cancer syndrome; BRCA1- and BRCA2-Associated Hereditary Breast and Ovarian Cancer; Hereditary breast and ovarian cancer syndrome; Hereditary breast and ovarian cancer; Hereditary breast and ovarian cancer syndrome (HBOC); Breast and ovarian cancer. Identifiers: Orphanet 145, MedGen C0677776, MeSH D061325, MONDO:0003582. Disease mechanism: loss of function.

Submissions (2):

Labcorp Genetics (formerly Invitae), Labcorp
Classification: Likely benign for Hereditary breast ovarian cancer syndrome. Last evaluated: 2022-02-21. Review status: criteria provided, single submitter. Criteria: Invitae Variant Classification Sherloc (09022015). Collection method: clinical testing. Allele origin: germline.

Brotman Baty Institute, University of Washington
No classification provided (evidence only). Condition: Breast-ovarian cancer, familial 1. Review status: no classification provided. Collection method: in vitro. Allele origin: not applicable. Functional consequence: functionally_normal. Not counted in ClinVar's aggregate classification.
ClinVar note: "not provided" was previously submitted as the classification for the variant. However, the classification appeared to be based only on an observation of functional data so it was converted to no classification on 2025-07-30.

NM_007294.4(BRCA1):c.5333-10T>A

Gene: BRCA1 (BRCA1 DNA repair associated; minus strand). Cytogenetic location: 17q21.31.
Variant type: single nucleotide variant.
Coding change: c.5333-10T>A on transcript NM_007294.4 (MANE Select); 10 bases into the intron before coding-DNA position 5333, T replaced by A.
Molecular consequence: intron variant.
Genome position (GRCh38, 1-based): chr17:43,049,204, A>T on the plus strand (T>A on the coding strand, the complement: BRCA1 is on the minus strand). VCF-style: chr17-43049204-A-T. GRCh37 (hg19) VCF-style: chr17-41201221-A-T.
Other names: c.1880-10T>A (NM_001408458.1, NM_001408461.1, NM_001408464.1 and 7 more transcripts); c.4442-10T>A (NM_001407967.1); c.4952-10T>A (NM_001407959.1); c.5066-10T>A (NM_001407931.1, NM_001407932.1, NM_001407928.1 and 4 more transcripts); c.5189-10T>A (NM_001407747.1, NM_001407745.1, NM_001407737.1 and 18 more transcripts); c.4949-10T>A (NM_001407962.1, NM_001407960.1); c.1520-10T>A (NM_001408512.1); c.1643-10T>A (NM_001408510.1); and 84 more.
Identifiers: ClinVar variation 865345 (VCV000865345.11), dbSNP rs2051099313, ClinGen allele CA916080900.
Genomic context (GRCh38, chr17:43,049,204, plus strand): 5'-GCTCCTTCACCACAGAAGCACCACACAGCTGTACCATCCATTCCAGTTGATCTAAAATGG[A>T]CATTTAGATGTAAAATCACTGCAGTAATCTGCATACTTAACCCAGGCCCTCTACCCTACA-3'